The following is an entry in ClinVar:

ClinVar aggregate classification (germline): Uncertain significance (1 of 4 stars; one submission).

Conditions:
Hereditary cancer-predisposing syndrome. Also called: Neoplastic Syndromes, Hereditary; Tumor predisposition; Hereditary Cancer Syndrome; Hereditary neoplastic syndrome. Identifiers: Orphanet 140162, MedGen C0027672, MeSH D009386, MONDO:0015356.

gnomAD v4.1: 2 of 1,613,576 alleles (0.00012%); highest among the groups gnomAD compares: Non-Finnish European, 0.00017%; no homozygotes.

Submission:

Ambry Genetics
Classification: Uncertain significance for Hereditary cancer-predisposing syndrome. Last evaluated: 2026-04-30. Review status: criteria provided, single submitter. Criteria: Ambry Variant Classification Scheme 2023. Collection method: clinical testing. Allele origin: germline.
Comment: The p.A753S variant (also known as c.2257G>T), located in coding exon 20 of the TSC2 gene, results from a G to T substitution at nucleotide position 2257. The alanine at codon 753 is replaced by serine, an amino acid with similar properties. This amino acid position is conserved. In addition, the in silico prediction for this alteration is inconclusive. Based on the available evidence, the clinical significance of this variant remains unclear.

NM_000548.5(TSC2):c.2257G>T (p.Ala753Ser)

Gene: TSC2 (TSC complex subunit 2; plus strand). Cytogenetic location: 16p13.3.
Variant type: single nucleotide variant.
Coding change: c.2257G>T on transcript NM_000548.5 (MANE Select); coding-DNA position 2257, G replaced by T.
Protein change: p.Ala753Ser; replaces alanine 753 with serine.
Molecular consequence: missense variant. On other transcripts: non-coding transcript variant (5).
Genome position (GRCh38, 1-based): chr16:2,072,885, G>T. VCF-style: chr16-2072885-G-T. GRCh37 (hg19) VCF-style: chr16-2122886-G-T.
Other names: c.2347G>T, p.Ala783Ser (NM_001406667.1, NM_001406668.1); c.2146G>T, p.Ala716Ser (NM_001406670.1, NM_001406678.1, NM_001318827.2); c.2245G>T, p.Ala749Ser (NM_001406671.1, NM_001406673.1); c.2110G>T, p.Ala704Ser (NM_001406675.1, NM_001406676.1, NM_001318829.2 and 1 more transcripts); c.2200G>T, p.Ala734Ser (NM_001406677.1); c.2257G>T, p.Ala753Ser (NM_001077183.3, NM_001114382.3, NM_001363528.2 and 6 more transcripts); c.1657G>T, p.Ala553Ser (NM_001318831.2, NM_001406680.1, NM_001406682.1 and 6 more transcripts); c.2290G>T, p.Ala764Ser (NM_001318832.2); and 3 more; short protein forms A219S, A305S, A553S, A599S, A704S, A716S, A734S, A749S.
Identifiers: ClinVar variation 4866106 (VCV004866106.1).